The following is an entry in ClinVar:

NM_001458.5(FLNC):c.2359T>C (p.Phe787Leu)

Gene: FLNC (filamin C; plus strand). Cytogenetic location: 7q32.1.
Variant type: single nucleotide variant.
Coding change: c.2359T>C on transcript NM_001458.5 (MANE Select); coding-DNA position 2359, T replaced by C.
Protein change: p.Phe787Leu; replaces phenylalanine 787 with leucine.
Molecular consequence: missense variant.
Genome position (GRCh38, 1-based): chr7:128,842,668, T>C. VCF-style: chr7-128842668-T-C. GRCh37 (hg19) VCF-style: chr7-128482722-T-C.
Other names: c.2359T>C, p.Phe787Leu (NM_001127487.2); short protein forms F787L.
Identifiers: ClinVar variation 1934637 (VCV001934637.6), dbSNP rs2536631554, ClinGen allele CA369191342.

ClinVar aggregate classification (germline): Uncertain significance. Review status: criteria provided, multiple submitters, no conflicts (2 of 4 stars). 2 submissions from 2 submitters: Uncertain significance (2). Last evaluated 2025-07-17.

Conditions:
Distal myopathy with posterior leg and anterior hand involvement. Also called: WILLIAMS DISTAL MYOPATHY. Identifiers: Orphanet 63273, MedGen C3279722, MONDO:0013550, OMIM 614065.
Myofibrillar myopathy 5. Also called: Filaminopathy (type); FILAMINOPATHY, AUTOSOMAL DOMINANT. Identifiers: Orphanet 171445, MedGen C1836050, MONDO:0012289, OMIM 609524.
Hypertrophic cardiomyopathy 26. Also called: Cardiomyopathy, familial hypertrophic, 26. Identifiers: Orphanet 75249, MedGen C4310749, MONDO:0014883, OMIM 617047.

Submissions (2):

GeneDx
Classification: Uncertain significance. Last evaluated: 2025-07-17. Review status: criteria provided, single submitter. Criteria: GeneDx Variant Classification Process June 2021. Collection method: clinical testing. Allele origin: germline. Affected: yes.
Comment: Not observed at significant frequency in large population cohorts (gnomAD); In silico analysis supports that this missense variant has a deleterious effect on protein structure/function; Has not been previously published as pathogenic or benign to our knowledge

Labcorp Genetics (formerly Invitae), Labcorp
Classification: Uncertain significance for Distal myopathy with posterior leg and anterior hand involvement; Myofibrillar myopathy 5; Hypertrophic cardiomyopathy 26. Last evaluated: 2025-06-24. Review status: criteria provided, single submitter. Criteria: Invitae Variant Classification Sherloc (09022015). Collection method: clinical testing. Allele origin: germline.
Comment: This sequence change replaces phenylalanine, which is neutral and non-polar, with leucine, which is neutral and non-polar, at codon 787 of the FLNC protein (p.Phe787Leu). This variant is not present in population databases (gnomAD no frequency). This variant has not been reported in the literature in individuals affected with FLNC-related conditions. ClinVar contains an entry for this variant (Variation ID: 1934637). Invitae Evidence Modeling of protein sequence and biophysical properties (such as structural, functional, and spatial information, amino acid conservation, physicochemical variation, residue mobility, and thermodynamic stability) has been performed for this missense variant. However, the output from this modeling did not meet the statistical confidence thresholds required to predict the impact of this variant on FLNC protein function. In summary, the available evidence is currently insufficient to determine the role of this variant in disease. Therefore, it has been classified as a Variant of Uncertain Significance.